The following is an entry in ClinVar:

ClinVar aggregate classification (germline): Uncertain significance (1 of 4 stars; one submission).

Conditions:
TBX3-related disorder. Also called: TBX3-related condition.

gnomAD v4.1: 1 of 1,614,078 alleles (0.000062%); highest among the groups gnomAD compares: African/African-American, 0.0013%; no homozygotes.

Submission:

PreventionGenetics, part of Exact Sciences
Classification: Uncertain significance for TBX3-related condition. Last evaluated: 2025-08-07. Review status: criteria provided, single submitter. Criteria: ACMG Guidelines, 2015. Collection method: clinical testing. Allele origin: germline.
Comment: The TBX3 c.224G>A variant is predicted to result in the amino acid substitution p.Gly75Asp. To our knowledge, this variant has not been reported in the literature or in a large population database, indicating this variant is rare. At this time, the clinical significance of this variant is uncertain due to the absence of conclusive functional and genetic evidence.

NM_005996.4(TBX3):c.224G>A (p.Gly75Asp)

Genes: TBX3 (T-box transcription factor 3; minus strand), TBX3-AS1 (TBX3 antisense RNA 1; plus strand). Cytogenetic location: 12q24.21.
Variant type: single nucleotide variant.
Coding change: c.224G>A on transcript NM_005996.4 (MANE Select); coding-DNA position 224, G replaced by A.
Protein change: p.Gly75Asp; replaces glycine 75 with aspartic acid.
Molecular consequence: missense variant.
Genome position (GRCh38, 1-based): chr12:114,682,977, C>T on the plus strand (G>A on the coding strand, the complement: TBX3 is on the minus strand). VCF-style: chr12-114682977-C-T. GRCh37 (hg19) VCF-style: chr12-115120782-C-T.
Other names: c.224G>A, p.Gly75Asp (NM_016569.4); short protein forms G75D.
Identifiers: ClinVar variation 5000661 (VCV005000661.1).